The following is an entry in ClinVar:

ClinVar aggregate classification (germline): Uncertain significance. Review status: criteria provided, multiple submitters, no conflicts (2 of 4 stars). 2 submissions from 2 submitters: Uncertain significance (2). Last evaluated 2022-05-11.

Allele frequency attached by ClinVar (database versions not stated): TOPMed below 0.00001.

Submissions (2):

Ambry Genetics
Classification: Uncertain significance. Last evaluated: 2022-05-11. Review status: criteria provided, single submitter. Criteria: Ambry Variant Classification Scheme 2023. Collection method: clinical testing. Allele origin: germline.

Labcorp Genetics (formerly Invitae), Labcorp
Classification: Uncertain significance. Last evaluated: 2021-08-11. Review status: criteria provided, single submitter. Criteria: Invitae Variant Classification Sherloc (09022015). Collection method: clinical testing. Allele origin: germline.
Comment: This variant is not present in population databases (ExAC no frequency). This sequence change replaces aspartic acid with valine at codon 179 of the IL12RB2 protein (p.Asp179Val). The aspartic acid residue is moderately conserved and there is a large physicochemical difference between aspartic acid and valine. This variant has not been reported in the literature in individuals affected with IL12RB2-related conditions. Algorithms developed to predict the effect of missense changes on protein structure and function are either unavailable or do not agree on the potential impact of this missense change (SIFT: "Deleterious"; PolyPhen-2: "Possibly Damaging"; Align-GVGD: "Class C0"). In summary, the available evidence is currently insufficient to determine the role of this variant in disease. Therefore, it has been classified as a Variant of Uncertain Significance.

NM_001374259.2(IL12RB2):c.536A>T (p.Asp179Val)

Gene: IL12RB2 (interleukin 12 receptor subunit beta 2; plus strand). Cytogenetic location: 1p31.3.
Variant type: single nucleotide variant.
Coding change: c.536A>T on transcript NM_001374259.2 (MANE Select); coding-DNA position 536, A replaced by T.
Protein change: p.Asp179Val; replaces aspartic acid 179 with valine.
Molecular consequence: missense variant. On other transcripts: non-coding transcript variant (2).
Genome position (GRCh38, 1-based): chr1:67,328,256, A>T. VCF-style: chr1-67328256-A-T. GRCh37 (hg19) VCF-style: chr1-67793939-A-T.
Other names: c.536A>T, p.Asp179Val (NM_001258214.1, NM_001258215.1, NM_001258216.1 and 2 more transcripts); c.536A>T (NM_001559.2); short protein forms D179V.
Identifiers: ClinVar variation 1470839 (VCV001470839.9), dbSNP rs1657593764, ClinGen allele CA340732909.
Genomic context (GRCh38, chr1:67,328,256, plus strand): 5'-ACAGGCTAAGTGGACCAAAAAATTTAACCTGGCAGAAGCAATGTAAAGACATTTATTGTG[A>T]CTATTTGGACTTTGGAATCAACCTCACCCCTGAATCACCTGAATCCAATTTCACAGCCAA-3'
Protein context (NP_001361188.1, residues 169-189): WQKQCKDIYC[Asp179Val]YLDFGINLTP